The following is an entry in ClinVar:

ClinVar aggregate classification (germline): Pathogenic/Likely pathogenic. Review status: criteria provided, multiple submitters, no conflicts (2 of 4 stars). 6 submissions from 6 submitters: Pathogenic (4); Likely pathogenic (2). Last evaluated 2026-10-19.

Conditions:
RP1-related disorder. Also called: RP1-related condition.
Retinal dystrophy. Also called: Inherited retinal dystrophy. Identifiers: Orphanet 71862, MedGen C0854723, MeSH D058499, MONDO:0019118, HP:0000556.
Retinitis pigmentosa 1 (RP1). Identifiers: Orphanet 791, MedGen C0220701, MONDO:0008377, OMIM 180100.
RP1-related recessive retinopathy. Identifiers: MedGen CN322605, MONDO:0800399.

Allele frequency attached by ClinVar (database versions not stated): gnomAD exomes below 0.00001 and 0.00001; ExAC 0.00001.

Submissions (6):

Department of Ophthalmology, Seoul National University Bundang Hospital
Classification: Pathogenic for RP1-related recessive retinopathy. Last evaluated: 2026-10-19. Review status: criteria provided, single submitter. Criteria: ACMG Guidelines, 2015. Collection method: clinical testing. Allele origin: germline. Inheritance: Autosomal recessive inheritance. Affected: yes.
Comment: Frameshift variant in exon 4. Identified in a Korean multicenter RP1 cohort (PMID:42847597) with recessive cone dystrophy, cone-rod dystrophy, macular dystrophy and retinitis pigmentosa. ACMG/AMP criteria: PVS1, PM3, PM2, PP1. Previously reported by Wang et al., 2014 (PMID:25097241); Huang et al., 2018 (PMID:29641573); Nikopoulos et al., 2019 (PMID:31253780).

PreventionGenetics, part of Exact Sciences
Classification: Pathogenic for RP1-related condition. Last evaluated: 2026-01-07. Review status: criteria provided, single submitter. Criteria: ACMG Guidelines, 2015. Collection method: clinical testing. Allele origin: germline.
Comment: The RP1 c.4196delG variant is predicted to result in a frameshift and premature protein termination (p.Cys1399Leufs*5). This variant has been reported in individuals with autosomal recessive RP1-related inherited retinal disease (see for example: Wang et al. 2014. PubMed ID: 25097241; Table S8, Koyanagi et al. 2019. PubMed ID: 31213501; Moon et al. 2022. PubMed ID: 35052368). This variant is reported in 0.0054% of alleles in individuals of East Asian descent in gnomAD. This variant is reported in 0.0054% of alleles in individuals of East Asian descent in gnomAD. Frameshift variants in RP1 are expected to be pathogenic. This variant is interpreted as pathogenic.

3billion
Classification: Pathogenic for Retinitis pigmentosa 1. Last evaluated: 2025-10-10. Review status: criteria provided, single submitter. Criteria: ACMG Guidelines, 2015. Collection method: clinical testing. Allele origin: germline. Affected: yes.
Comment: The variant is observed at an extremely low frequency in the gnomAD v4.1.0 dataset (total allele frequency: <0.001%). Predicted Consequence/Location: Frameshift: predicted to result in a loss or disruption of normal protein function through protein truncation. Multiple pathogenic variants are reported in the predicted truncated region. The variant has been reported to be in trans with a pathogenic variant as either compound heterozygous or homozygous in at least one similarly affected unrelated individual (PMID: 25097241, 31253780). The variant has been reported at least twice as pathogenic with clinical assertions and evidence for the classification (ClinVar ID: VCV000225457 /PMID: 25097241 /3billion dataset). Therefore, this variant is classified as Pathogenic according to the recommendation of ACMG/AMP guideline.

Dept Of Ophthalmology, Nagoya University
Classification: Likely pathogenic for Retinal dystrophy. Last evaluated: 2023-10-01. Review status: criteria provided, single submitter. Criteria: Submitter's publication. Collection method: research. Allele origin: germline. Affected: yes.

Labcorp Genetics (formerly Invitae), Labcorp
Classification: Pathogenic. Last evaluated: 2022-07-19. Review status: criteria provided, single submitter. Criteria: Invitae Variant Classification Sherloc (09022015). Collection method: clinical testing. Allele origin: germline.
Comment: For these reasons, this variant has been classified as Pathogenic. This variant disrupts the C-terminus of the RP1 protein. Many variants that disrupt this region have been reported in individuals with either autosomal dominant or autosomal recessive retinitis pigmentosa (PMID: 11527933, 19933189, 29425069, 30027431, 33681214). Therefore, variants that disrupt this region are expected to be disease-causing. ClinVar contains an entry for this variant (Variation ID: 225457). This premature translational stop signal has been observed in individual(s) with clinical features of autosomal recessive retinitis pigmentosa (PMID: 25097241, 29641573, 31253780). In at least one individual the data is consistent with being in trans (on the opposite chromosome) from a pathogenic variant. It has also been observed to segregate with disease in related individuals. This variant is present in population databases (rs762951570, gnomAD 0.006%). This sequence change creates a premature translational stop signal (p.Cys1399Leufs*5) in the RP1 gene. While this is not anticipated to result in nonsense mediated decay, it is expected to disrupt the last 758 amino acid(s) of the RP1 protein.

Soonchunhyang University Bucheon Hospital, Soonchunhyang University Medical Center
Classification: Likely pathogenic for Retinitis pigmentosa 1. Last evaluated: 2016-03-18. Review status: criteria provided, single submitter. Criteria: ACMG Guidelines, 2015. Collection method: reference population. Allele origin: germline. Observed: 2 variant alleles.

Literature cited by the submitters: PubMed 42847597 (cited by Department of Ophthalmology, Seoul National University Bundang Hospital); PubMed 25097241 (cited by 3 submitters); PubMed 29641573 (cited by Department of Ophthalmology, Seoul National University Bundang Hospital and Labcorp Genetics (formerly Invitae), Labcorp); PubMed 31253780 (cited by 3 submitters); PubMed 11527933 (cited by Labcorp Genetics (formerly Invitae), Labcorp); PubMed 19933189 (cited by Labcorp Genetics (formerly Invitae), Labcorp); PubMed 29425069 (cited by Labcorp Genetics (formerly Invitae), Labcorp); PubMed 30027431 (cited by Labcorp Genetics (formerly Invitae), Labcorp); PubMed 33681214 (cited by Labcorp Genetics (formerly Invitae), Labcorp); PubMed 10391211 (cited by Soonchunhyang University Bucheon Hospital, Soonchunhyang University Medical Center).

NM_006269.2(RP1):c.4196del (p.Cys1399fs)

Gene: RP1 (RP1 axonemal microtubule associated; plus strand). Cytogenetic location: 8q12.1.
Variant type: Deletion.
Coding change: c.4196del on transcript NM_006269.2 (MANE Select); coding-DNA position 4196, one base deleted (G; older notation c.4196delG).
Protein change: p.Cys1399fs; shifts the reading frame from cysteine 1399.
Molecular consequence: frameshift variant.
Genome position (GRCh38, 1-based): chr8:54,628,078, G deleted. VCF-style (leftmost placement, unchanged base first): chr8-54628077-TG-T. GRCh37 (hg19) VCF-style: chr8-55540637-TG-T.
Other names: p.Cys1399Leufs*5; c.4196delG (NM_006269.2); short protein forms C1399fs.
Identifiers: ClinVar variation 225457 (VCV000225457.12), dbSNP rs762951570, ClinGen allele CA4751816.